The following is an entry in ClinVar:

NM_000059.4(BRCA2):c.10129G>A (p.Glu3377Lys)

Gene: BRCA2 (BRCA2 DNA repair associated; plus strand). Cytogenetic location: 13q13.1.
Variant type: single nucleotide variant.
Coding change: c.10129G>A on transcript NM_000059.4 (MANE Select); coding-DNA position 10129, G replaced by A.
Protein change: p.Glu3377Lys; replaces glutamic acid 3377 with lysine.
Molecular consequence: missense variant. On other transcripts: non-coding transcript variant (1).
Genome position (GRCh38, 1-based): chr13:32,398,642, G>A. VCF-style: chr13-32398642-G-A. GRCh37 (hg19) VCF-style: chr13-32972779-G-A.
Other names: c.10033G>A, p.Glu3345Lys (NM_001406719.1); c.10078G>A, p.Glu3360Lys (NM_001406720.1); c.5197G>A, p.Glu1733Lys (NM_001406721.1); c.3712G>A, p.Glu1238Lys (NM_001406722.1); c.10129G>A, p.Glu3377Lys (NM_001432077.1); short protein forms E1238K, E1733K, E3377K, E3345K, E3360K.
Identifiers: ClinVar variation 3636573 (VCV003636573.2).

ClinVar aggregate classification (germline): Uncertain significance (1 of 4 stars; one submission).

Conditions:
Hereditary breast ovarian cancer syndrome. Also called: Hereditary breast and ovarian cancer syndrome; Hereditary breast and ovarian cancer syndrome (HBOC); BRCA1- and BRCA2-Associated Hereditary Breast and Ovarian Cancer; Hereditary breast and ovarian cancer; Breast and ovarian cancer; Hereditary breast and/or ovarian cancer syndrome. Identifiers: Orphanet 145, MedGen C0677776, MeSH D061325, MONDO:0003582. Disease mechanism: loss of function.

Submission:

Labcorp Genetics (formerly Invitae), Labcorp
Classification: Uncertain significance for Hereditary breast ovarian cancer syndrome. Last evaluated: 2024-08-15. Review status: criteria provided, single submitter. Criteria: Invitae Variant Classification Sherloc (09022015). Collection method: clinical testing. Allele origin: germline.
Comment: This sequence change replaces glutamic acid, which is acidic and polar, with lysine, which is basic and polar, at codon 3377 of the BRCA2 protein (p.Glu3377Lys). This variant is not present in population databases (gnomAD no frequency). This variant has not been reported in the literature in individuals affected with BRCA2-related conditions. Invitae Evidence Modeling of protein sequence and biophysical properties (such as structural, functional, and spatial information, amino acid conservation, physicochemical variation, residue mobility, and thermodynamic stability) indicates that this missense variant is not expected to disrupt BRCA2 protein function with a negative predictive value of 95%. In summary, the available evidence is currently insufficient to determine the role of this variant in disease. Therefore, it has been classified as a Variant of Uncertain Significance.